The following is an entry in ClinVar:

ClinVar aggregate classification (germline): Uncertain significance. Review status: criteria provided, multiple submitters, no conflicts (2 of 4 stars). 3 submissions from 3 submitters: Uncertain significance (3). Last evaluated 2024-12-14.

Conditions:
Aortic valve disease 2 (AOVD2). Identifiers: MedGen C3542024, MONDO:0013902, OMIM 614823.

Allele frequency attached by ClinVar (database versions not stated): gnomAD 0.00001.

Submissions (3):

GeneDx
Classification: Uncertain significance. Last evaluated: 2024-12-14. Review status: criteria provided, single submitter. Criteria: GeneDx Variant Classification Process June 2021. Collection method: clinical testing. Allele origin: germline. Affected: yes.
Comment: Not observed at significant frequency in large population cohorts (gnomAD); In silico analysis indicates that this missense variant does not alter protein structure/function; Has not been previously published as pathogenic or benign to our knowledge

Women's Health and Genetics/Laboratory Corporation of America, LabCorp
Classification: Uncertain significance. Last evaluated: 2024-04-29. Review status: criteria provided, single submitter. Criteria: LabCorp Variant Classification Summary - May 2015. Collection method: clinical testing. Allele origin: germline.

Labcorp Genetics (formerly Invitae), Labcorp
Classification: Uncertain significance for Aortic valve disease 2. Last evaluated: 2023-12-11. Review status: criteria provided, single submitter. Criteria: Invitae Variant Classification Sherloc (09022015). Collection method: clinical testing. Allele origin: germline.
Comment: This sequence change replaces serine, which is neutral and polar, with arginine, which is basic and polar, at codon 158 of the SMAD6 protein (p.Ser158Arg). This variant is present in population databases (no rsID available, gnomAD 0.007%). This variant has not been reported in the literature in individuals affected with SMAD6-related conditions. ClinVar contains an entry for this variant (Variation ID: 2077170). Advanced modeling of protein sequence and biophysical properties (such as structural, functional, and spatial information, amino acid conservation, physicochemical variation, residue mobility, and thermodynamic stability) performed at Invitae indicates that this missense variant is not expected to disrupt SMAD6 protein function with a negative predictive value of 80%. In summary, the available evidence is currently insufficient to determine the role of this variant in disease. Therefore, it has been classified as a Variant of Uncertain Significance.

NM_005585.5(SMAD6):c.474T>G (p.Ser158Arg)

Gene: SMAD6 (SMAD family member 6; plus strand). Cytogenetic location: 15q22.31.
Variant type: single nucleotide variant.
Coding change: c.474T>G on transcript NM_005585.5 (MANE Select); coding-DNA position 474, T replaced by G.
Protein change: p.Ser158Arg; replaces serine 158 with arginine.
Molecular consequence: missense variant. On other transcripts: non-coding transcript variant (1).
Genome position (GRCh38, 1-based): chr15:66,703,732, T>G. VCF-style: chr15-66703732-T-G. GRCh37 (hg19) VCF-style: chr15-66996070-T-G.
Other names: c.474T>G (NM_005585.4); short protein forms S158R.
Identifiers: ClinVar variation 2077170 (VCV002077170.6), dbSNP rs1394450148, ClinGen allele CA392949624.
Genomic context (GRCh38, chr15:66,703,732, plus strand): 5'-CCGGGACGCCAGCGACCCCCTGGCCGGGGCGGCCCTGGAGCCGGCGGGCGGCGGGCGGAG[T>G]CGCGAAGCGCGCTCGCGGCTGCTGCTGCTGGAGCAGGAACTCAAAACCGTCACGTACTCG-3'
Protein context (NP_005576.3, residues 148-168): AALEPAGGGR[Ser158Arg]REARSRLLLL